The following is an entry in ClinVar:

NM_004336.5(BUB1):c.2780A>G (p.Asn927Ser)

Gene: BUB1 (BUB1 mitotic checkpoint serine/threonine kinase; minus strand). Cytogenetic location: 2q13.
Variant type: single nucleotide variant.
Coding change: c.2780A>G on transcript NM_004336.5 (MANE Select); coding-DNA position 2780, A replaced by G.
Protein change: p.Asn927Ser; replaces asparagine 927 with serine.
Molecular consequence: missense variant. On other transcripts: intron variant (1).
Genome position (GRCh38, 1-based): chr2:110,641,310, T>C on the plus strand (A>G on the coding strand, the complement: BUB1 is on the minus strand). VCF-style: chr2-110641310-T-C. GRCh37 (hg19) VCF-style: chr2-111398887-T-C.
Other names: c.2720A>G, p.Asn907Ser (NM_001278616.2); c.2626-118A>G (NM_001278617.2); short protein forms N907S, N927S.
Identifiers: ClinVar variation 3262185 (VCV003262185.2).
Genomic context (GRCh38, chr2:110,641,310, plus strand): 5'-TGAAAGGCTGCTATGGAAATAGGAAGAGAAGAACCCTGTTAAAAGCATAACACTTGCCCG[T>C]TTCCAAGTATGAAATTGTCTGGTTTAATGTCTCCATGAATGATTTCACAGTCATGCACTT-3'
Protein context (NP_004327.1, residues 917-937): DIKPDNFILG[Asn927Ser]GFLEQDDEDD

ClinVar aggregate classification (germline): Uncertain significance (1 of 4 stars; one submission).

gnomAD v4.1: 2 of 1,605,776 alleles (0.00012%); highest among the groups gnomAD compares: African/African-American, 0.0013%; no homozygotes.

Submission:

Ambry Genetics
Classification: Uncertain significance. Last evaluated: 2024-07-11. Review status: criteria provided, single submitter. Criteria: Ambry Variant Classification Scheme 2023. Collection method: clinical testing. Allele origin: germline.
Comment: The p.N927S variant (also known as c.2780A>G), located in coding exon 22 of the BUB1 gene, results from an A to G substitution at nucleotide position 2780. The asparagine at codon 927 is replaced by serine, an amino acid with highly similar properties. This amino acid position is conserved. In addition, this alteration is predicted to be tolerated by in silico analysis. Based on the available evidence, the clinical significance of this variant remains unclear.